The following is an entry in ClinVar:

ClinVar aggregate classification (germline): Benign. Review status: criteria provided, multiple submitters, no conflicts (2 of 4 stars). 2 submissions from 2 submitters: Benign (2). Last evaluated 2018-06-16.

Allele frequency attached by ClinVar (database versions not stated): gnomAD exomes 0.00190 and 0.00533; ExAC 0.00636; gnomAD 0.02159 and 0.02333; 1000 Genomes Project 0.02276; 1000 Genomes Project 30x 0.02327; TOPMed 0.02340; ESP Exome Variant Server 0.02430.
gnomAD v4.1: 6,180 of 1,613,316 alleles (0.38%); highest among the groups gnomAD compares: African/African-American, 7.3%; 224 homozygotes.

Submissions (2):

GeneDx
Classification: Benign. Last evaluated: 2018-06-16. Review status: criteria provided, single submitter. Criteria: GeneDx Variant Classification (06012015). Collection method: clinical testing. Allele origin: germline. Affected: yes.
Comment: This variant is considered likely benign or benign based on one or more of the following criteria: it is a conservative change, it occurs at a poorly conserved position in the protein, it is predicted to be benign by multiple in silico algorithms, and/or has population frequency not consistent with disease.

Breakthrough Genomics
Classification: Benign. Review status: criteria provided, single submitter. Criteria: ACMG Guidelines, 2015. Collection method: not provided. Allele origin: germline. Inheritance: Autosomal recessive inheritance. Affected: yes.

NM_001692.4(ATP6V1B1):c.909+21T>C

Gene: ATP6V1B1 (ATPase H+ transporting V1 subunit B1; plus strand). Cytogenetic location: 2p13.3.
Variant type: single nucleotide variant.
Coding change: c.909+21T>C on transcript NM_001692.4 (MANE Select); 21 bases into the intron after coding-DNA position 909, T replaced by C.
Molecular consequence: intron variant.
Genome position (GRCh38, 1-based): chr2:70,962,921, T>C. VCF-style: chr2-70962921-T-C. GRCh37 (hg19) VCF-style: chr2-71190051-T-C.
Identifiers: ClinVar variation 682987 (VCV000682987.2), dbSNP rs6758197, ClinGen allele CA1701193.